The following is an entry in ClinVar:

NM_006846.4(SPINK5):c.962C>T (p.Pro321Leu)

Gene: SPINK5 (serine peptidase inhibitor Kazal type 5; plus strand). Cytogenetic location: 5q32.
Variant type: single nucleotide variant.
Coding change: c.962C>T on transcript NM_006846.4 (MANE Select); coding-DNA position 962, C replaced by T.
Protein change: p.Pro321Leu; replaces proline 321 with leucine.
Molecular consequence: missense variant.
Genome position (GRCh38, 1-based): chr5:148,097,946, C>T. VCF-style: chr5-148097946-C-T. GRCh37 (hg19) VCF-style: chr5-147477509-C-T.
Other names: c.962C>T, p.Pro321Leu (NM_001127698.2, NM_001127699.2); short protein forms P321L.
Identifiers: ClinVar variation 1054710 (VCV001054710.9), dbSNP rs1343893946, ClinGen allele CA361635262.

ClinVar aggregate classification (germline): Uncertain significance (1 of 4 stars; one submission).

Conditions:
Ichthyosis linearis circumflexa. Identifiers: MedGen C0265962, MONDO:0043106, HP:0025810.

Allele frequency attached by ClinVar (database versions not stated): gnomAD exomes below 0.00001; TOPMed 0.00001.
gnomAD v4.1: 4 of 1,612,258 alleles (0.00025%); highest among the groups gnomAD compares: East Asian, 0.0067%; no homozygotes.

Submission:

Labcorp Genetics (formerly Invitae), Labcorp
Classification: Uncertain significance for Ichthyosis linearis circumflexa. Last evaluated: 2023-08-17. Review status: criteria provided, single submitter. Criteria: Invitae Variant Classification Sherloc (09022015). Collection method: clinical testing. Allele origin: germline.
Comment: ClinVar contains an entry for this variant (Variation ID: 1054710). Advanced modeling of protein sequence and biophysical properties (such as structural, functional, and spatial information, amino acid conservation, physicochemical variation, residue mobility, and thermodynamic stability) performed at Invitae indicates that this missense variant is not expected to disrupt SPINK5 protein function. Algorithms developed to predict the effect of sequence changes on RNA splicing suggest that this variant may disrupt the consensus splice site. In summary, the available evidence is currently insufficient to determine the role of this variant in disease. Therefore, it has been classified as a Variant of Uncertain Significance. This variant has not been reported in the literature in individuals affected with SPINK5-related conditions. This sequence change replaces proline, which is neutral and non-polar, with leucine, which is neutral and non-polar, at codon 321 of the SPINK5 protein (p.Pro321Leu). This variant is present in population databases (no rsID available, gnomAD 0.006%).